The following is an entry in ClinVar:

NM_001267550.2(TTN):c.47000_47001del (p.Thr15667fs)

Genes: TTN (titin; minus strand), TTN-AS1 (TTN antisense RNA 1; plus strand). Cytogenetic location: 2q31.2.
Variant type: Deletion.
Coding change: c.47000_47001del on transcript NM_001267550.2 (MANE Select); coding-DNA positions 47000 to 47001, 2 bases deleted (CA; older notation c.47000_47001delCA).
Protein change: p.Thr15667fs; shifts the reading frame from threonine 15667.
Molecular consequence: frameshift variant.
Genome position (GRCh38, 1-based): chr2:178,618,457-178,618,458, TG deleted on the plus strand (CA on the coding strand, the reverse complement: TTN is on the minus strand); deleting any 2 consecutive bases within chr2:178,618,457-178,618,459 gives the same sequence; the c. name uses the placement nearest the transcript's 3' end. VCF-style (leftmost placement, unchanged base first): chr2-178618456-CTG-C. GRCh37 (hg19) VCF-style: chr2-179483183-CTG-C.
Other names: c.42077_42078del, p.Thr14026fs (NM_001256850.1); c.19805_19806del, p.Thr6602fs (NM_003319.4); c.39296_39297del, p.Thr13099fs (NM_133378.4); c.20180_20181del, p.Thr6727fs (NM_133432.3); c.20381_20382del, p.Thr6794fs (NM_133437.4); short protein forms T13099fs, T14026fs, T15667fs, T6602fs, T6727fs, T6794fs.
Identifiers: ClinVar variation 3754811 (VCV003754811.2).

ClinVar aggregate classification (germline): Likely pathogenic (1 of 4 stars; one submission).

Conditions:
Autosomal recessive limb-girdle muscular dystrophy type 2J (LGMDR10). Also called: Limb-girdle muscular dystrophy, type 2J; MUSCULAR DYSTROPHY, LIMB-GIRDLE, AUTOSOMAL RECESSIVE 10. Identifiers: Orphanet 140922, MedGen C1837342, MONDO:0012127, OMIM 608807.
Dilated cardiomyopathy 1G (CMD1G). Identifiers: Orphanet 154, MedGen C1858763, MONDO:0011400, OMIM 604145.

Submission:

Labcorp Genetics (formerly Invitae), Labcorp
Classification: Likely pathogenic for Dilated cardiomyopathy 1G; Autosomal recessive limb-girdle muscular dystrophy type 2J. Last evaluated: 2024-07-23. Review status: criteria provided, single submitter. Criteria: Invitae Variant Classification Sherloc (09022015). Collection method: clinical testing. Allele origin: germline.
Comment: This sequence change creates a premature translational stop signal (p.Thr15667Argfs*4) in the TTN gene. While this is not anticipated to result in nonsense mediated decay, it is expected to create a truncated TTN protein. This variant is not present in population databases (gnomAD no frequency). This variant has not been reported in the literature in individuals affected with TTN-related conditions. Algorithms developed to predict the effect of sequence changes on RNA splicing suggest that this variant may disrupt the consensus splice site. This variant is located in the A band of TTN (PMID: 25589632). Truncating variants in this region are significantly overrepresented in patients affected with dilated cardiomyopathy (PMID: 25589632). Truncating variants in this region have also been reported in individuals affected with autosomal recessive centronuclear myopathy (PMID: 23975875). In summary, the currently available evidence indicates that the variant is pathogenic, but additional data are needed to prove that conclusively. Therefore, this variant has been classified as Likely Pathogenic.

Literature cited by the submitters: PubMed 25589632; PubMed 23975875.